The following is an entry in ClinVar:

NM_000443.4(ABCB4):c.2065-3T>C

Gene: ABCB4 (ATP binding cassette subfamily B member 4; minus strand). Cytogenetic location: 7q21.12.
Variant type: single nucleotide variant.
Coding change: c.2065-3T>C on transcript NM_000443.4 (MANE Select); 3 bases into the intron before coding-DNA position 2065, T replaced by C.
Molecular consequence: intron variant.
Genome position (GRCh38, 1-based): chr7:87,424,055, A>G on the plus strand (T>C on the coding strand, the complement: ABCB4 is on the minus strand). VCF-style: chr7-87424055-A-G. GRCh37 (hg19) VCF-style: chr7-87053371-A-G.
Other names: c.2065-3T>C (NM_018850.3, NM_018849.3, NM_000443.3).
Identifiers: ClinVar variation 500244 (VCV000500244.8), dbSNP rs772471049, ClinGen allele CA4327120.
Genomic context (GRCh38, chr7:87,424,055, plus strand): 5'-ATTCTGTTTTATTCAGTTTCAGGACCTTCAGAAAGGACACTGGTGGCACATTTGCTTCCT[A>G]GAACATATAAACATCAGGGCAAACTGGTGATGACACAACAGTTACCAGAGTCTGTAGACA-3'

ClinVar aggregate classification (germline): Conflicting classifications of pathogenicity. Review status: criteria provided, conflicting classifications (1 of 4 stars). 3 submissions from 3 submitters: Uncertain significance (2); Likely benign (1). Last evaluated 2025-08-13.

Conditions:
ABCB4-related disorder. Also called: ABCB4-related disorders; ABCB4-related condition.

Allele frequency attached by ClinVar (database versions not stated): gnomAD exomes 0.00001; ExAC 0.00002; gnomAD 0.00009 and 0.00011; TOPMed 0.00012.
gnomAD v4.1: 29 of 1,613,894 alleles (0.0018%); highest among the groups gnomAD compares: African/African-American, 0.033%; no homozygotes.

Submissions (3):

Labcorp Genetics (formerly Invitae), Labcorp
Classification: Uncertain significance. Last evaluated: 2025-08-13. Review status: criteria provided, single submitter. Criteria: Invitae Variant Classification Sherloc (09022015). Collection method: clinical testing. Allele origin: germline.
Comment: This sequence change falls in intron 16 of the ABCB4 gene. It does not directly change the encoded amino acid sequence of the ABCB4 protein. It affects a nucleotide within the consensus splice site. This variant is present in population databases (rs772471049, gnomAD 0.03%). This variant has not been reported in the literature in individuals affected with ABCB4-related conditions. ClinVar contains an entry for this variant (Variation ID: 500244). Variants that disrupt the consensus splice site are a relatively common cause of aberrant splicing (PMID: 17576681, 9536098). Algorithms developed to predict the effect of sequence changes on RNA splicing suggest that this variant is not likely to affect RNA splicing. In summary, the available evidence is currently insufficient to determine the role of this variant in disease. Therefore, it has been classified as a Variant of Uncertain Significance.

PreventionGenetics, part of Exact Sciences
Classification: Likely benign for ABCB4-related condition. Last evaluated: 2025-05-09. Review status: criteria provided, single submitter. Criteria: ACMG Guidelines, 2015. Collection method: clinical testing. Allele origin: germline.
Comment: This variant is classified as likely benign based on ACMG/AMP sequence variant interpretation guidelines (Richards et al. 2015 PMID: 25741868, with internal and published modifications).

Eurofins Ntd Llc (ga)
Classification: Uncertain significance. Last evaluated: 2017-10-25. Review status: criteria provided, single submitter. Criteria: EGL Classification Definitions 2015. Collection method: clinical testing. Allele origin: germline. Observed: 3 variant alleles, 3 heterozygotes.

Literature cited by the submitters: PubMed 17576681 (cited by Labcorp Genetics (formerly Invitae), Labcorp); PubMed 9536098 (cited by Labcorp Genetics (formerly Invitae), Labcorp).